The following is an entry in ClinVar:

ClinVar aggregate classification (germline): Likely pathogenic (1 of 4 stars; one submission).

Conditions:
Dilated cardiomyopathy 1G (CMD1G). Identifiers: Orphanet 154, MedGen C1858763, MONDO:0011400, OMIM 604145.
Autosomal recessive limb-girdle muscular dystrophy type 2J (LGMDR10). Also called: MUSCULAR DYSTROPHY, LIMB-GIRDLE, AUTOSOMAL RECESSIVE 10; Limb-girdle muscular dystrophy, type 2J. Identifiers: Orphanet 140922, MedGen C1837342, MONDO:0012127, OMIM 608807.

Submission:

Labcorp Genetics (formerly Invitae), Labcorp
Classification: Likely pathogenic for Dilated cardiomyopathy 1G; Autosomal recessive limb-girdle muscular dystrophy type 2J. Last evaluated: 2024-10-18. Review status: criteria provided, single submitter. Criteria: Invitae Variant Classification Sherloc (09022015). Collection method: clinical testing. Allele origin: germline.
Comment: This sequence change creates a premature translational stop signal (p.Glu13776Glyfs*34) in the TTN gene. While this is not anticipated to result in nonsense mediated decay, it is expected to create a truncated TTN protein. This variant is not present in population databases (gnomAD no frequency). This variant has not been reported in the literature in individuals affected with TTN-related conditions. ClinVar contains an entry for this variant (Variation ID: 1447513). This variant is located in the I band of TTN (PMID: 25589632). Truncating variants in this region have been reported in individuals affected with autosomal recessive centronuclear myopathy (PMID: 23975875, internal data). Truncating variants in this region have also been identified in individuals affected with autosomal dominant dilated cardiomyopathy and/or cardio-related conditions (PMID: 27869827, 32964742, internal data). In summary, the currently available evidence indicates that the variant is pathogenic, but additional data are needed to prove that conclusively. Therefore, this variant has been classified as Likely Pathogenic.

Literature cited by the submitters: PubMed 25589632; PubMed 23975875; PubMed 27869827; PubMed 32964742.

NM_001267550.2(TTN):c.41326dup (p.Glu13776fs)

Gene: TTN (titin; minus strand). Cytogenetic location: 2q31.2.
Variant type: Duplication.
Coding change: c.41326dup on transcript NM_001267550.2 (MANE Select); coding-DNA position 41326, one base duplicated (G; older notation c.41326dupG).
Protein change: p.Glu13776fs; shifts the reading frame from glutamic acid 13776.
Molecular consequence: frameshift variant.
Genome position (GRCh38, 1-based): chr2:178,636,401, C duplicated on the plus strand (G on the coding strand, the reverse complement: TTN is on the minus strand). VCF-style (leftmost placement, unchanged base first): chr2-178636400-T-TC. GRCh37 (hg19) VCF-style: chr2-179501127-T-TC.
Other names: c.36403dup, p.Glu12135fs (NM_001256850.1); c.14131dup, p.Glu4711fs (NM_003319.4); c.33622dup, p.Glu11208fs (NM_133378.4); c.14506dup, p.Glu4836fs (NM_133432.3); c.14707dup, p.Glu4903fs (NM_133437.4); short protein forms E13776fs, E4903fs, E11208fs, E12135fs, E4711fs, E4836fs.
Identifiers: ClinVar variation 1447513 (VCV001447513.8), dbSNP rs2154231011, ClinGen allele CA2573133833.